The following is an entry in ClinVar:

ClinVar aggregate classification (germline): Uncertain significance (1 of 4 stars; one submission).

gnomAD v4.1: 1 of 1,516,748 alleles (0.000066%); highest among the groups gnomAD compares: Non-Finnish European, 0.000088%; no homozygotes.

Submission:

Ambry Genetics
Classification: Uncertain significance. Last evaluated: 2025-04-19. Review status: criteria provided, single submitter. Criteria: Ambry Variant Classification Scheme 2023. Collection method: clinical testing. Allele origin: germline.
Comment: The p.W1459C variant (also known as c.4377G>T), located in coding exon 14 of the CDK12 gene, results from a G to T substitution at nucleotide position 4377. The tryptophan at codon 1459 is replaced by cysteine, an amino acid with highly dissimilar properties. This amino acid position is conserved. In addition, this alteration is predicted to be deleterious by in silico analysis. Based on the available evidence, the clinical significance of this variant remains unclear.

NM_016507.4(CDK12):c.4377G>T (p.Trp1459Cys)

Gene: CDK12 (cyclin dependent kinase 12; plus strand). Cytogenetic location: 17q12.
Variant type: single nucleotide variant.
Coding change: c.4377G>T on transcript NM_016507.4 (MANE Select); coding-DNA position 4377, G replaced by T.
Protein change: p.Trp1459Cys; replaces tryptophan 1459 with cysteine.
Molecular consequence: missense variant.
Genome position (GRCh38, 1-based): chr17:39,531,220, G>T. VCF-style: chr17-39531220-G-T. GRCh37 (hg19) VCF-style: chr17-37687473-G-T.
Other names: c.4350G>T, p.Trp1450Cys (NM_015083.4); short protein forms W1459C, W1450C.
Identifiers: ClinVar variation 3999378 (VCV003999378.1).